The following is an entry in ClinVar:

ClinVar aggregate classification (germline): Pathogenic (1 of 4 stars; one submission).

Submission:

Labcorp Genetics (formerly Invitae), Labcorp
Classification: Pathogenic. Last evaluated: 2022-02-09. Review status: criteria provided, single submitter. Criteria: Invitae Variant Classification Sherloc (09022015). Collection method: clinical testing. Allele origin: germline.
Comment: For these reasons, this variant has been classified as Pathogenic. This variant disrupts the p.Gly140 amino acid residue in RS1. Other variant(s) that disrupt this residue have been determined to be pathogenic (PMID: 9618178, 31456290). This suggests that this residue is clinically significant, and that variants that disrupt this residue are likely to be disease-causing. Advanced modeling of protein sequence and biophysical properties (such as structural, functional, and spatial information, amino acid conservation, physicochemical variation, residue mobility, and thermodynamic stability) performed at Invitae indicates that this missense variant is expected to disrupt RS1 protein function. This missense change has been observed in individual(s) with X-linked retinoschisis (Invitae). This variant is not present in population databases (gnomAD no frequency). This sequence change replaces glycine, which is neutral and non-polar, with tryptophan, which is neutral and slightly polar, at codon 140 of the RS1 protein (p.Gly140Trp).

Literature cited by the submitters: PubMed 9618178; PubMed 31456290.

NM_000330.4(RS1):c.418G>T (p.Gly140Trp)

Genes: CDKL5 (cyclin dependent kinase like 5; plus strand), RS1 (retinoschisin 1; minus strand). Cytogenetic location: Xp22.13.
Variant type: single nucleotide variant.
Coding change: c.418G>T on transcript NM_000330.4 (MANE Select); coding-DNA position 418, G replaced by T.
Protein change: p.Gly140Trp; replaces glycine 140 with tryptophan.
Molecular consequence: missense variant. On other transcripts: intron variant (2).
Genome position (GRCh38, 1-based): chrX:18,644,534, C>A on the plus strand (G>T on the coding strand, the complement: RS1 is on the minus strand). VCF-style: chrX-18644534-C-A. GRCh37 (hg19) VCF-style: chrX-18662654-C-A.
Other names: c.2714-1473C>A (NM_003159.3, NM_001037343.2); short protein forms G140W.
Identifiers: ClinVar variation 2095399 (VCV002095399.4), dbSNP rs61752156, ClinGen allele CA412371881.